The following is an entry in ClinVar:

ClinVar aggregate classification (germline): Pathogenic (1 of 4 stars; one submission).

Conditions:
Hereditary nonpolyposis colorectal neoplasms. Identifiers: MedGen C0009405, MeSH D003123.

Submission:

Labcorp Genetics (formerly Invitae), Labcorp
Classification: Pathogenic for Hereditary nonpolyposis colorectal neoplasms. Last evaluated: 2023-11-30. Review status: criteria provided, single submitter. Criteria: Invitae Variant Classification Sherloc (09022015). Collection method: clinical testing. Allele origin: germline.
Comment: This sequence change creates a premature translational stop signal (p.Ser801Phefs*23) in the PMS2 gene. While this is not anticipated to result in nonsense mediated decay, it is expected to disrupt the last 62 amino acid(s) of the PMS2 protein. The frequency data for this variant in the population databases (gnomAD) is considered unreliable due to the presence of homologous sequence, such as pseudogenes or paralogs, in the genome. This variant has not been reported in the literature in individuals affected with PMS2-related conditions. This variant disrupts a region of the PMS2 protein in which other variant(s) (p.Pro844His) have been determined to be pathogenic (PMID: 26318770, 35451539; Invitae). This suggests that this is a clinically significant region of the protein, and that variants that disrupt it are likely to be disease-causing. For these reasons, this variant has been classified as Pathogenic.

Literature cited by the submitters: PubMed 26318770; PubMed 35451539.

NM_000535.7(PMS2):c.2399dup (p.Ser801fs)

Gene: PMS2 (PMS1 homolog 2, mismatch repair system component; minus strand). Cytogenetic location: 7p22.1.
Variant type: Duplication.
Coding change: c.2399dup on transcript NM_000535.7 (MANE Select); coding-DNA position 2399, one base duplicated (C; older notation c.2399dupC).
Protein change: p.Ser801fs; shifts the reading frame from serine 801.
Molecular consequence: frameshift variant. On other transcripts: non-coding transcript variant (1).
Genome position (GRCh38, 1-based): chr7:5,977,634, G duplicated on the plus strand (C on the coding strand, the reverse complement: PMS2 is on the minus strand); the first of 2 consecutive G bases (chr7:5,977,634-5,977,635); duplicating either gives the same sequence. VCF-style (leftmost placement, unchanged base first): chr7-5977633-A-AG. GRCh37 (hg19) VCF-style: chr7-6017264-A-AG.
Other names: c.1993dup, p.Ser666Phefs (NM_001018040.1); c.1994dup, p.Ser666fs (NM_001322003.2, NM_001322004.2, NM_001322005.2 and 11 more transcripts); c.2243dup, p.Ser749fs (NM_001322006.2); c.2081dup, p.Ser695fs (NM_001322007.2, NM_001322008.2, NM_001406883.1); c.2027dup, p.Ser677fs (NM_001322009.2, NM_001406887.1, NM_001406888.1); c.1838dup, p.Ser614fs (NM_001322010.2, NM_001406906.1, NM_001406907.1); c.1466dup, p.Ser490fs (NM_001322011.2, NM_001322012.2); c.1826dup, p.Ser610fs (NM_001322013.2, NM_001406908.1, NM_001406909.1); and 21 more; short protein forms S610fs, S693fs, S753fs, S765fs, S863fs, S400fs, S490fs, S562fs.
Identifiers: ClinVar variation 2699816 (VCV002699816.3), dbSNP rs1255919164, ClinGen allele CA840180414.